The following is an entry in ClinVar:

NM_000211.5(ITGB2):c.148-825T>C

Gene: ITGB2 (integrin subunit beta 2; minus strand). Cytogenetic location: 21q22.3.
Variant type: single nucleotide variant.
Coding change: c.148-825T>C on transcript NM_000211.5 (MANE Select); 825 bases into the intron before coding-DNA position 148, T replaced by C.
Molecular consequence: intron variant.
Genome position (GRCh38, 1-based): chr21:44,907,920, A>G on the plus strand (T>C on the coding strand, the complement: ITGB2 is on the minus strand). VCF-style: chr21-44907920-A-G. GRCh37 (hg19) VCF-style: chr21-46327835-A-G.
Other names: c.148-825T>C (NM_001127491.3); c.-60-825T>C (NM_001303238.2).
Identifiers: ClinVar variation 2688237 (VCV002688237.2), dbSNP rs3746972, ClinGen allele CA15985461.

ClinVar aggregate classification (germline): Benign (1 of 4 stars; one submission).

Allele frequency attached by ClinVar (database versions not stated): 1000 Genomes Project 0.14337; 1000 Genomes Project 30x 0.14694; gnomAD exomes 0.16376; gnomAD 0.16918; TOPMed 0.17367.
gnomAD v4.1: 97,973 of 591,072 alleles (17%); highest among the groups gnomAD compares: Admixed American, 25%; 8,693 homozygotes.

Submission:

Unidad de Genómica Garrahan, Hospital de Pediatría Garrahan
Classification: Benign. Last evaluated: 2024-01-24. Review status: criteria provided, single submitter. Criteria: ACMG Guidelines, 2015. Collection method: clinical testing. Allele origin: germline. Affected: no. Observed: 30 variant alleles.
Comment: This variant is classified as Benign based on local population frequency. This variant was detected in 32% of patients studied by a panel of primary immunodeficiencies. Number of patients: 30. Only high quality variants are reported.